The following is an entry in ClinVar:

NM_000124.4(ERCC6):c.1527-1G>T

Gene: ERCC6 (ERCC excision repair 6, chromatin remodeling factor; minus strand). Cytogenetic location: 10q11.23.
Variant type: single nucleotide variant.
Coding change: c.1527-1G>T on transcript NM_000124.4 (MANE Select); the canonical splice acceptor site of the intron before coding-DNA position 1527, G replaced by T.
Molecular consequence: splice acceptor variant.
Genome position (GRCh38, 1-based): chr10:49,500,697, C>A on the plus strand (G>T on the coding strand, the complement: ERCC6 is on the minus strand). VCF-style: chr10-49500697-C-A. GRCh37 (hg19) VCF-style: chr10-50708743-C-A.
Other names: c.1527-1G>T (NM_001346440.2).
Identifiers: ClinVar variation 3018218 (VCV003018218.3), dbSNP rs2496051000, ClinGen allele CA376729244.

ClinVar aggregate classification (germline): Likely pathogenic (1 of 4 stars; one submission).

Submission:

Labcorp Genetics (formerly Invitae), Labcorp
Classification: Likely pathogenic. Last evaluated: 2023-09-05. Review status: criteria provided, single submitter. Criteria: Invitae Variant Classification Sherloc (09022015). Collection method: clinical testing. Allele origin: germline.
Comment: In summary, the currently available evidence indicates that the variant is pathogenic, but additional data are needed to prove that conclusively. Therefore, this variant has been classified as Likely Pathogenic. Algorithms developed to predict the effect of sequence changes on RNA splicing suggest that this variant may disrupt the consensus splice site. This variant has not been reported in the literature in individuals affected with ERCC6-related conditions. This variant is not present in population databases (gnomAD no frequency). This sequence change affects an acceptor splice site in intron 6 of the ERCC6 gene. It is expected to disrupt RNA splicing. Variants that disrupt the donor or acceptor splice site typically lead to a loss of protein function (PMID: 16199547), and loss-of-function variants in ERCC6 are known to be pathogenic (PMID: 18628313, 29572252).

Literature cited by the submitters: PubMed 16199547; PubMed 18628313; PubMed 29572252.